The following is an entry in ClinVar:

NM_000059.4(BRCA2):c.5141A>C (p.Tyr1714Ser)

Gene: BRCA2 (BRCA2 DNA repair associated; plus strand). Cytogenetic location: 13q13.1.
Variant type: single nucleotide variant.
Coding change: c.5141A>C on transcript NM_000059.4 (MANE Select); coding-DNA position 5141, A replaced by C.
Protein change: p.Tyr1714Ser; replaces tyrosine 1714 with serine.
Molecular consequence: missense variant.
Genome position (GRCh38, 1-based): chr13:32,339,496, A>C. VCF-style: chr13-32339496-A-C. GRCh37 (hg19) VCF-style: chr13-32913633-A-C.
Other names: short protein forms Y1714S.
Identifiers: ClinVar variation 1332095 (VCV001332095.9), dbSNP rs1566231796, ClinGen allele CA387784200.

ClinVar aggregate classification (germline): Conflicting classifications of pathogenicity. Review status: criteria provided, conflicting classifications (1 of 4 stars). 3 submissions from 3 submitters: Uncertain significance (2); Likely benign (1). Last evaluated 2023-03-23.

Conditions:
Hereditary breast ovarian cancer syndrome. Also called: Hereditary breast and ovarian cancer syndrome; Hereditary breast and ovarian cancer; Hereditary breast and ovarian cancer syndrome (HBOC); Hereditary breast and/or ovarian cancer syndrome; Breast and ovarian cancer; BRCA1- and BRCA2-Associated Hereditary Breast and Ovarian Cancer. Identifiers: Orphanet 145, MedGen C0677776, MeSH D061325, MONDO:0003582. Disease mechanism: loss of function.
Hereditary cancer-predisposing syndrome. Also called: Tumor predisposition; Hereditary Cancer Syndrome; Neoplastic Syndromes, Hereditary; Hereditary neoplastic syndrome. Identifiers: Orphanet 140162, MedGen C0027672, MeSH D009386, MONDO:0015356.

Submissions (3):

University of Washington Department of Laboratory Medicine, University of Washington
Classification: Likely benign for Hereditary cancer-predisposing syndrome. Last evaluated: 2023-03-23. Review status: criteria provided, single submitter. Criteria: Dines et al. (Genet Med. 2020). Collection method: curation. Allele origin: germline.
Comment: Missense variant in a coldspot region where missense variants are very unlikely to be pathogenic (PMID:31911673).

BRCA2 exon 11 coldspot. Reclassification based on statistical prior probability.

Labcorp Genetics (formerly Invitae), Labcorp
Classification: Uncertain significance for Hereditary breast ovarian cancer syndrome. Last evaluated: 2022-08-03. Review status: criteria provided, single submitter. Criteria: Invitae Variant Classification Sherloc (09022015). Collection method: clinical testing. Allele origin: germline.
Comment: In summary, the available evidence is currently insufficient to determine the role of this variant in disease. Therefore, it has been classified as a Variant of Uncertain Significance. Advanced modeling of protein sequence and biophysical properties (such as structural, functional, and spatial information, amino acid conservation, physicochemical variation, residue mobility, and thermodynamic stability) performed at Invitae indicates that this missense variant is not expected to disrupt BRCA2 protein function. ClinVar contains an entry for this variant (Variation ID: 1332095). This variant has not been reported in the literature in individuals affected with BRCA2-related conditions. This variant is not present in population databases (gnomAD no frequency). This sequence change replaces tyrosine, which is neutral and polar, with serine, which is neutral and polar, at codon 1714 of the BRCA2 protein (p.Tyr1714Ser).

Color Diagnostics, LLC DBA Color Health
Classification: Uncertain significance for Hereditary cancer-predisposing syndrome. Last evaluated: 2021-04-06. Review status: criteria provided, single submitter. Criteria: ACMG Guidelines, 2015. Collection method: clinical testing. Allele origin: germline.
Comment: This missense variant replaces tyrosine with serine at codon 1714 of the BRCA2 protein. Computational prediction suggests that this variant may not impact protein structure and function (internally defined REVEL score threshold <= 0.5, PMID: 27666373). To our knowledge, functional studies have not been reported for this variant. This variant has not been reported in individuals affected with hereditary cancer in the literature. This variant has not been identified in the general population by the Genome Aggregation Database (gnomAD). The available evidence is insufficient to determine the role of this variant in disease conclusively. Therefore, this variant is classified as a Variant of Uncertain Significance.